The following is an entry in ClinVar:

NM_001162501.2(TNRC6B):c.3098A>G (p.His1033Arg)

Gene: TNRC6B (trinucleotide repeat containing adaptor 6B; plus strand). Cytogenetic location: 22q13.1.
Variant type: single nucleotide variant.
Coding change: c.3098A>G on transcript NM_001162501.2 (MANE Select); coding-DNA position 3098, A replaced by G.
Protein change: p.His1033Arg; replaces histidine 1033 with arginine.
Molecular consequence: missense variant.
Genome position (GRCh38, 1-based): chr22:40,273,557, A>G. VCF-style: chr22-40273557-A-G. GRCh37 (hg19) VCF-style: chr22-40669561-A-G.
Other names: c.857A>G, p.His286Arg (NM_001024843.2); c.2939A>G, p.His980Arg (NM_015088.3); short protein forms H1033R, H286R, H980R.
Identifiers: ClinVar variation 2663013 (VCV002663013.1), dbSNP rs2517996775, ClinGen allele CA411645248.

ClinVar aggregate classification (germline): Uncertain significance (1 of 4 stars; one submission).

Submission:

GeneDx
Classification: Uncertain significance. Last evaluated: 2023-10-31. Review status: criteria provided, single submitter. Criteria: GeneDx Variant Classification Process June 2021. Collection method: clinical testing. Allele origin: germline. Affected: yes.
Comment: Not observed at significant frequency in large population cohorts (gnomAD); In silico analysis supports that this missense variant does not alter protein structure/function; Has not been previously published as pathogenic or benign to our knowledge